The following is an entry in ClinVar:

ClinVar aggregate classification (germline): Uncertain significance. Review status: criteria provided, single submitter (1 of 4 stars). 2 submissions from 2 submitters: Uncertain significance (1). 1 of the submissions does not count toward it. Last evaluated 2025-10-29.

Conditions:
SEMA3D-related disorder. Also called: SEMA3D-related condition.

gnomAD v4.1: 7 of 1,613,866 alleles (0.00043%); highest among the groups gnomAD compares: Admixed American, 0.0017%; no homozygotes.

Submissions (2):

Ambry Genetics
Classification: Uncertain significance. Last evaluated: 2025-10-29. Review status: criteria provided, single submitter. Criteria: Ambry Variant Classification Scheme 2023. Collection method: clinical testing. Allele origin: germline.

PreventionGenetics, part of Exact Sciences
Classification: Uncertain significance for SEMA3D-related condition. Last evaluated: 2024-07-18. Review status: no assertion criteria provided. Collection method: clinical testing. Allele origin: germline. Not counted in ClinVar's aggregate classification.
Comment: The SEMA3D c.2051T>C variant is predicted to result in the amino acid substitution p.Ile684Thr. To our knowledge, this variant has not been reported in the literature. This variant is reported in 0.0029% of alleles in individuals of Latino descent in gnomAD. At this time, the clinical significance of this variant is uncertain due to the absence of conclusive functional and genetic evidence.

NM_001384900.1(SEMA3D):c.2051T>C (p.Ile684Thr)

Genes: SEMA3D (semaphorin 3D; minus strand), LOC126860094 (BRD4-independent group 4 enhancer GRCh37_chr7:84628763-84629962; plus strand). Cytogenetic location: 7q21.11.
Variant type: single nucleotide variant.
Coding change: c.2051T>C on transcript NM_001384900.1 (MANE Select); coding-DNA position 2051, T replaced by C.
Protein change: p.Ile684Thr; replaces isoleucine 684 with threonine.
Molecular consequence: missense variant.
Genome position (GRCh38, 1-based): chr7:84,999,723, A>G on the plus strand (T>C on the coding strand, the complement: SEMA3D is on the minus strand). VCF-style: chr7-84999723-A-G. GRCh37 (hg19) VCF-style: chr7-84629039-A-G.
Other names: c.2051T>C, p.Ile684Thr (NM_001384901.1, NM_001384902.1, NM_001384903.1 and 1 more transcripts); short protein forms I684T.
Identifiers: ClinVar variation 3356126 (VCV003356126.2).